The following is an entry in ClinVar:

NC_000023.10:g.(22151742_22186428)_(22208620_22231020)dup

Gene: PHEX (phosphate regulating endopeptidase X-linked; plus strand). Cytogenetic location: Xp22.11.
Variant type: Duplication.
Identifiers: ClinVar variation 2445898 (VCV002445898.2).

ClinVar aggregate classification (germline): Pathogenic (1 of 4 stars; one submission).

Conditions:
Familial X-linked hypophosphatemic vitamin D refractory rickets (XLHRD). Also called: X-Linked Hypophosphatemia; Hypophosphatemia, vitamin D-resistant rickets; Vitamin D-resistant rickets, X-linked; HYPOPHOSPHATEMIC VITAMIN D-RESISTANT RICKETS; Hypophosphatemic Rickets, X-Linked Dominant. Identifiers: Orphanet 89936, MedGen C0733682, MONDO:0010619, OMIM 307800.

Submission:

Women's Health and Genetics/Laboratory Corporation of America, LabCorp
Classification: Pathogenic for Familial X-linked hypophosphatemic vitamin D refractory rickets. Last evaluated: 2025-10-28. Review status: criteria provided, single submitter. Criteria: LabCorp Variant Classification Summary - May 2015. Collection method: clinical testing. Allele origin: germline.
Comment: Variant summary: The variant involves the duplication of exons 13-15 in the PHEX gene. A presumed nomenclature of c.(1404+1_1405-1)_(1645+1_1646-1)dup has been designated for the purposes of this classification. It is assumed to be a tandem duplication in direct orientation (PMIDs: 25640679, 30054569). This Copy Number Variant (CNV) is expected to alter the reading frame and predicted to result in a truncation or absence of the encoded protein due to nonsense mediated decay (NMD). Loss-of-function variants in this gene are known to be pathogenic. The variant was absent in 15814 control chromosomes (gnomAD. structural variants dataset). c.(1404+1_1405-1)_(1645+1_1646-1)dup has been observed in multiple individuals affected with X-Linked Hypophosphatemic Rickets (e.g. Smith_2020, Sarafrazi_2022, Rush_2022, McCrystal Dahir_2022, Soto_2023). Although in the majority of patients the variant was found in cis with c.*231A>G (i.e. as a complex allele), in at least four individuals the exon 13-15 duplication variant was found in isolation and was found to segregate within affected family members (Rush_2022, Soto_2023). These data indicate that the variant is likely to be associated with disease. The co-occurring 3'-UTR variant is located three base pairs upstream of the polyadenylation signal of PHEX, thus it remains unclear whether it is just a marker for this pathogenic duplication, or can be also detrimental in isolation. To our knowledge, no experimental evidence demonstrating an impact on protein function has been reported. The following publications have been ascertained in the context of this evaluation (PMID: 36530187, 34633109, 34806794, 31910300, 37059315). ClinVar contains an entry for this variant (Variation ID: 1497641). Based on the evidence outlined above, the variant was classified as pathogenic.

Literature cited by the submitters: PubMed 31910300; PubMed 34633109; PubMed 36530187; PubMed 34806794; PubMed 37059315.